The following is an entry in ClinVar:

NM_001103.4(ACTN2):c.1766A>G (p.Tyr589Cys)

Gene: ACTN2 (actinin alpha 2; plus strand). Cytogenetic location: 1q43.
Variant type: single nucleotide variant.
Coding change: c.1766A>G on transcript NM_001103.4 (MANE Select); coding-DNA position 1766, A replaced by G.
Protein change: p.Tyr589Cys; replaces tyrosine 589 with cysteine.
Molecular consequence: missense variant. On other transcripts: non-coding transcript variant (1).
Genome position (GRCh38, 1-based): chr1:236,751,579, A>G. VCF-style: chr1-236751579-A-G. GRCh37 (hg19) VCF-style: chr1-236914879-A-G.
Other names: c.1766A>G, p.Tyr589Cys (NM_001278343.2); short protein forms Y589C.
Identifiers: ClinVar variation 4782635 (VCV004782635.1).

ClinVar aggregate classification (germline): Uncertain significance (1 of 4 stars; one submission).

Conditions:
Primary familial hypertrophic cardiomyopathy (HCM). Identifiers: Orphanet 99739, MedGen C0949658, MeSH D024741, MONDO:0024573. Inheritance: Various modes of inheritance.
Dilated cardiomyopathy 1AA (CMD1AA). Also called: CARDIOMYOPATHY, DILATED, 1AA, WITH OR WITHOUT LEFT VENTRICULAR NONCOMPACTION; CARDIOMYOPATHY, FAMILIAL HYPERTROPHIC, 23, WITH OR WITHOUT LEFT VENTRICULAR NONCOMPACTION; Cardiomyopathy, dilated, 1AA, with or without LVNC. Identifiers: Orphanet 154, MedGen C2677338, MONDO:0012808, OMIM 612158.

Submission:

Labcorp Genetics (formerly Invitae), Labcorp
Classification: Uncertain significance for Primary familial hypertrophic cardiomyopathy; Dilated cardiomyopathy 1AA. Last evaluated: 2025-06-11. Review status: criteria provided, single submitter. Criteria: Invitae Variant Classification Sherloc (09022015). Collection method: clinical testing. Allele origin: germline.
Comment: This sequence change replaces tyrosine, which is neutral and polar, with cysteine, which is neutral and slightly polar, at codon 589 of the ACTN2 protein (p.Tyr589Cys). This variant is not present in population databases (gnomAD no frequency). This variant has not been reported in the literature in individuals affected with ACTN2-related conditions. Invitae Evidence Modeling of protein sequence and biophysical properties (such as structural, functional, and spatial information, amino acid conservation, physicochemical variation, residue mobility, and thermodynamic stability) indicates that this missense variant is not expected to disrupt ACTN2 protein function with a negative predictive value of 80%. In summary, the available evidence is currently insufficient to determine the role of this variant in disease. Therefore, it has been classified as a Variant of Uncertain Significance.